The following is an entry in ClinVar:

NM_000440.3(PDE6A):c.1576T>C (p.Tyr526His)

Gene: PDE6A (phosphodiesterase 6A; minus strand). Cytogenetic location: 5q32.
Variant type: single nucleotide variant.
Coding change: c.1576T>C on transcript NM_000440.3 (MANE Select); coding-DNA position 1576, T replaced by C.
Protein change: p.Tyr526His; replaces tyrosine 526 with histidine.
Molecular consequence: missense variant.
Genome position (GRCh38, 1-based): chr5:149,896,400, A>G on the plus strand (T>C on the coding strand, the complement: PDE6A is on the minus strand). VCF-style: chr5-149896400-A-G. GRCh37 (hg19) VCF-style: chr5-149275963-A-G.
Other names: short protein forms Y526H.
Identifiers: ClinVar variation 1054069 (VCV001054069.8), dbSNP rs370512402, ClinGen allele CA3504633.
Genomic context (GRCh38, chr5:149,896,400, plus strand): 5'-TTTGTTTTGACCTCACCTCTTGTGGAATGTGAAATTTATCCACCACTTTGAGCTCATAAT[A>G]CATCTGTATTCCACATTTTACCAGCTCCAGTTCTGTTAGGGGTAAGTCACTGAAGTGAAA-3'
Protein context (NP_000431.2, residues 516-536): LELVKCGIQM[Tyr526His]YELKVVDKFH

ClinVar aggregate classification (germline): Uncertain significance (1 of 4 stars; one submission).

Allele frequency attached by ClinVar (database versions not stated): gnomAD exomes below 0.00001; TOPMed below 0.00001; ExAC 0.00001; gnomAD 0.00001; ESP Exome Variant Server 0.00008.
gnomAD v4.1: 3 of 1,614,024 alleles (0.00019%); highest among the groups gnomAD compares: African/African-American, 0.004%; no homozygotes.

Submission:

Labcorp Genetics (formerly Invitae), Labcorp
Classification: Uncertain significance. Last evaluated: 2022-03-10. Review status: criteria provided, single submitter. Criteria: Invitae Variant Classification Sherloc (09022015). Collection method: clinical testing. Allele origin: germline.
Comment: This sequence change replaces tyrosine, which is neutral and polar, with histidine, which is basic and polar, at codon 526 of the PDE6A protein (p.Tyr526His). This variant is present in population databases (rs370512402, gnomAD 0.004%). This variant has not been reported in the literature in individuals affected with PDE6A-related conditions. ClinVar contains an entry for this variant (Variation ID: 1054069). Algorithms developed to predict the effect of missense changes on protein structure and function (SIFT, PolyPhen-2, Align-GVGD) all suggest that this variant is likely to be disruptive. In summary, the available evidence is currently insufficient to determine the role of this variant in disease. Therefore, it has been classified as a Variant of Uncertain Significance.